The following is an entry in ClinVar:

NM_000516.7(GNAS):c.484T>C (p.Cys162Arg)

Gene: GNAS (GNAS complex locus; plus strand). Cytogenetic location: 20q13.32.
Variant type: single nucleotide variant.
Coding change: c.484T>C on transcript NM_000516.7 (MANE Select); coding-DNA position 484, T replaced by C.
Protein change: p.Cys162Arg; replaces cysteine 162 with arginine.
Molecular consequence: missense variant. On other transcripts: 3 prime UTR variant (2).
Genome position (GRCh38, 1-based): chr20:58,905,434, T>C. VCF-style: chr20-58905434-T-C. GRCh37 (hg19) VCF-style: chr20-57480489-T-C.
Other names: c.487T>C, p.Cys163Arg (NM_001077488.5); c.439T>C, p.Cys147Arg (NM_001077489.4); c.*345T>C (NM_001077490.3); c.307T>C, p.Cys103Arg (NM_001309840.2, NM_001309861.2); c.388T>C, p.Cys130Arg (NM_001410912.1); c.2368T>C, p.Cys790Arg (NM_001410913.1); c.*390T>C (NM_016592.5); c.2413T>C, p.Cys805Arg (NM_080425.4); and 1 more; short protein forms C148R, C790R, C130R, C147R, C163R, C805R, C103R, C162R.
Identifiers: ClinVar variation 2271285 (VCV002271285.2), dbSNP rs2146210053, ClinGen allele CA409451197.
Genomic context (GRCh38, chr20:58,905,434, plus strand): 5'-CACTTTCAGGAATTCTATGAGCATGCCAAGGCTCTGTGGGAGGATGAAGGAGTGCGTGCC[T>C]GCTACGAACGCTCCAACGAGTACCAGCTGATTGACTGTGCCCAGTAGTAAGTAACCGCCA-3'
Protein context (NP_000507.1, residues 152-172): ALWEDEGVRA[Cys162Arg]YERSNEYQLI

ClinVar aggregate classification (germline): Pathogenic (1 of 4 stars; one submission).

Conditions:
Inborn genetic diseases. Identifiers: MedGen C0950123, MeSH D030342.

Submission:

Ambry Genetics
Classification: Pathogenic for Inborn genetic diseases. Last evaluated: 2022-02-23. Review status: criteria provided, single submitter. Criteria: Ambry Variant Classification Scheme 2023. Collection method: clinical testing. Allele origin: germline.
Comment: The c.484T>C (p.C162R) alteration is located in exon 6 (coding exon 6) of the GNAS gene. This alteration results from a T to C substitution at nucleotide position 484, causing the cysteine (C) at amino acid position 162 to be replaced by an arginine (R). This variant was not reported in population-based cohorts in the Genome Aggregation Database (gnomAD). This amino acid position is highly conserved in available vertebrate species. This alteration is located in the G-alpha domain. Based on internal structural analysis, this variant is anticipated to result in a significant decrease in structural stability (Hu, 2018). This alteration is predicted to be deleterious by in silico analysis. Based on the available evidence, this alteration is classified as pathogenic.

Literature cited by the submitters: PubMed 29628140.